The following is an entry in ClinVar:

ClinVar aggregate classification (germline): Uncertain significance (1 of 4 stars; one submission).

Conditions:
T-cell immunodeficiency, congenital alopecia, and nail dystrophy. Also called: Congenital alopecia and nail dystrophy associated with severe functional T-cell immunodeficiency; Pignata Guarino syndrome. Identifiers: Orphanet 169095, MedGen C1866426, MONDO:0011132, OMIM 601705.

Allele frequency attached by ClinVar (database versions not stated): gnomAD exomes 0.00001 and 0.00003; gnomAD 0.00008 and 0.00009; TOPMed 0.00014; ESP Exome Variant Server 0.00015; 1000 Genomes Project 30x 0.00031; 1000 Genomes Project 0.00040.
gnomAD v4.1: 55 of 1,614,058 alleles (0.0034%); highest among the groups gnomAD compares: Admixed American, 0.023%; no homozygotes.

Submission:

Labcorp Genetics (formerly Invitae), Labcorp
Classification: Uncertain significance for T-cell immunodeficiency, congenital alopecia, and nail dystrophy. Last evaluated: 2026-02-02. Review status: criteria provided, single submitter. Criteria: Invitae Variant Classification Sherloc (09022015). Collection method: clinical testing. Allele origin: germline.
Comment: This sequence change replaces proline, which is neutral and non-polar, with leucine, which is neutral and non-polar, at codon 468 of the FOXN1 protein (p.Pro468Leu). This variant is present in population databases (rs144637690, gnomAD 0.006%). This variant has not been reported in the literature in individuals affected with FOXN1-related conditions. ClinVar contains an entry for this variant (Variation ID: 1415930). Invitae Evidence Modeling of protein sequence and biophysical properties (such as structural, functional, and spatial information, amino acid conservation, physicochemical variation, residue mobility, and thermodynamic stability) indicates that this missense variant is not expected to disrupt FOXN1 protein function with a negative predictive value of 80%. In summary, the available evidence is currently insufficient to determine the role of this variant in disease. Therefore, it has been classified as a Variant of Uncertain Significance.

NM_001369369.1(FOXN1):c.1403C>T (p.Pro468Leu)

Gene: FOXN1 (forkhead box N1; plus strand). Cytogenetic location: 17q11.2.
Variant type: single nucleotide variant.
Coding change: c.1403C>T on transcript NM_001369369.1 (MANE Select); coding-DNA position 1403, C replaced by T.
Protein change: p.Pro468Leu; replaces proline 468 with leucine.
Molecular consequence: missense variant.
Genome position (GRCh38, 1-based): chr17:28,534,974, C>T. VCF-style: chr17-28534974-C-T. GRCh37 (hg19) VCF-style: chr17-26861992-C-T.
Other names: c.1403C>T, p.Pro468Leu (NM_003593.3); short protein forms P468L.
Identifiers: ClinVar variation 1415930 (VCV001415930.8), dbSNP rs144637690, ClinGen allele CA8459517.